The following is an entry in ClinVar:

NM_001171.6(ABCC6):c.855C>T (p.Thr285=)

Gene: ABCC6 (ATP binding cassette subfamily C member 6; minus strand). Cytogenetic location: 16p13.11.
Variant type: single nucleotide variant.
Coding change: c.855C>T on transcript NM_001171.6 (MANE Select); coding-DNA position 855, C replaced by T.
Protein change: p.Thr285=; no amino-acid change (threonine 285 retained).
Molecular consequence: synonymous variant. On other transcripts: non-coding transcript variant (1).
Genome position (GRCh38, 1-based): chr16:16,203,553, G>A on the plus strand (C>T on the coding strand, the complement: ABCC6 is on the minus strand). VCF-style: chr16-16203553-G-A. GRCh37 (hg19) VCF-style: chr16-16297410-G-A.
Other names: c.513C>T, p.Thr171= (NM_001351800.1).
Identifiers: ClinVar variation 388991 (VCV000388991.5), dbSNP rs4780605, ClinGen allele CA7926529.
Genomic context (GRCh38, chr16:16,203,553, plus strand): 5'-CTGCCAGATGGCCTTCAGCAGTGGGCGCCACTGGCTCCCTTCTTGCCGTAGGAAGGGCTC[G>A]GTCTCTGGAGCCTTCATGCCACTGCCGCCTTTCCTTTTAAATGCTATTGCCTTGTTGTGC-3'
Protein context (NP_001162.5, residues 275-295): KGGSGMKAPE[Thr285=]EPFLRQEGSQ

ClinVar aggregate classification (germline): Likely benign. Review status: criteria provided, multiple submitters, no conflicts (2 of 4 stars). 3 submissions from 3 submitters: Likely benign (3). Last evaluated 2021-05-14.

Conditions:
Autosomal recessive inherited pseudoxanthoma elasticum (PXE). Identifiers: Orphanet 758, MedGen CN032334, MONDO:0009925, OMIM 264800.

Allele frequency attached by ClinVar (database versions not stated): ExAC 0.00001; gnomAD exomes 0.00002; TOPMed 0.00002.

Submissions (3):

Blueprint Genetics
Classification: Likely benign. Last evaluated: 2021-05-14. Review status: criteria provided, single submitter. Criteria: ACMG Guidelines, 2015. Collection method: clinical testing. Allele origin: germline.

PXE International
Classification: Likely benign for Autosomal recessive inherited pseudoxanthoma elasticum. Last evaluated: 2021-03-01. Review status: criteria provided, single submitter. Criteria: Submitter's publication. Collection method: research. Allele origin: germline. Inheritance: Autosomal recessive inheritance. Affected: yes.

GeneDx
Classification: Likely benign. Last evaluated: 2019-04-15. Review status: criteria provided, single submitter. Criteria: GeneDx Variant Classification Process June 2021. Collection method: clinical testing. Allele origin: germline. Affected: yes.
Comment: This variant is associated with the following publications: (PMID: 16086317, 12384774, 23758476)